The following is an entry in ClinVar:

ClinVar aggregate classification (germline): Uncertain significance. Review status: criteria provided, multiple submitters, no conflicts (2 of 4 stars). 2 submissions from 2 submitters: Uncertain significance (2). Last evaluated 2025-06-09.

Conditions:
Familial focal epilepsy with variable foci (FPEVF). Identifiers: Orphanet 98820, MedGen C1858477, MONDO:0020310.
Inborn genetic diseases. Identifiers: MedGen C0950123, MeSH D030342.

Allele frequency attached by ClinVar (database versions not stated): gnomAD exomes 0.00001; ExAC 0.00002; ESP Exome Variant Server 0.00008.

Submissions (2):

Labcorp Genetics (formerly Invitae), Labcorp
Classification: Uncertain significance for Familial focal epilepsy with variable foci. Last evaluated: 2025-06-09. Review status: criteria provided, single submitter. Criteria: Invitae Variant Classification Sherloc (09022015). Collection method: clinical testing. Allele origin: germline.
Comment: This sequence change replaces serine, which is neutral and polar, with leucine, which is neutral and non-polar, at codon 168 of the DEPDC5 protein (p.Ser168Leu). This variant is present in population databases (rs377718352, gnomAD 0.003%). This variant has not been reported in the literature in individuals affected with DEPDC5-related conditions. ClinVar contains an entry for this variant (Variation ID: 1034528). Experimental studies and prediction algorithms are not available or were not evaluated, and the functional significance of this variant is currently unknown. Algorithms developed to predict the effect of sequence changes on RNA splicing suggest that this variant may disrupt the consensus splice site. In summary, the available evidence is currently insufficient to determine the role of this variant in disease. Therefore, it has been classified as a Variant of Uncertain Significance.

Ambry Genetics
Classification: Uncertain significance for Inborn genetic diseases. Last evaluated: 2025-02-06. Review status: criteria provided, single submitter. Criteria: Ambry Variant Classification Scheme 2023. Collection method: clinical testing. Allele origin: germline.

NM_001242896.3(DEPDC5):c.503C>T (p.Ser168Leu)

Gene: DEPDC5 (DEP domain containing 5, GATOR1 subcomplex subunit; plus strand). Cytogenetic location: 22q12.2.
Variant type: single nucleotide variant.
Coding change: c.503C>T on transcript NM_001242896.3 (MANE Select); coding-DNA position 503, C replaced by T.
Protein change: p.Ser168Leu; replaces serine 168 with leucine.
Molecular consequence: missense variant. On other transcripts: non-coding transcript variant (5).
Genome position (GRCh38, 1-based): chr22:31,783,926, C>T. VCF-style: chr22-31783926-C-T. GRCh37 (hg19) VCF-style: chr22-32179912-C-T.
Other names: c.503C>T, p.Ser168Leu (NM_001007188.4, NM_001136029.4, NM_001242897.2 and 7 more transcripts); c.419C>T, p.Ser140Leu (NM_001369901.1, NM_001369902.1); c.503C>T (NM_001242896.1); short protein forms S140L, S168L.
Identifiers: ClinVar variation 1034528 (VCV001034528.9), dbSNP rs377718352, ClinGen allele CA10196005.